The following is an entry in ClinVar:

NM_004656.4(BAP1):c.898_917del (p.Arg300fs)

Gene: BAP1 (BRCA1 associated deubiquitinase 1; minus strand). Cytogenetic location: 3p21.1.
Variant type: Deletion.
Coding change: c.898_917del on transcript NM_004656.4 (MANE Select); coding-DNA positions 898 to 917, 20 bases deleted (AGGGCCCCTGCAGCCTCTGA).
Protein change: p.Arg300fs; shifts the reading frame from arginine 300.
Molecular consequence: frameshift variant.
Genome position (GRCh38, 1-based): chr3:52,405,779-52,405,798, TCAGAGGCTGCAGGGGCCCT deleted on the plus strand (AGGGCCCCTGCAGCCTCTGA on the coding strand, the reverse complement: BAP1 is on the minus strand). VCF-style (leftmost placement, unchanged base first): chr3-52405778-CTCAGAGGCTGCAGGGGCCCT-C. GRCh37 (hg19) VCF-style: chr3-52439794-CTCAGAGGCTGCAGGGGCCCT-C.
Other names: short protein forms R300fs.
Identifiers: ClinVar variation 663672 (VCV000663672.6), dbSNP rs1578224271, ClinGen allele CA915942496.

ClinVar aggregate classification (germline): Pathogenic (1 of 4 stars; one submission).

Conditions:
BAP1-related tumor predisposition syndrome (TPDS1). Also called: Tumor susceptibility linked to germline BAP1 mutations; BAP1 tumor predisposition syndrome; COMMON Syndrome; TUMOR PREDISPOSITION SYNDROME 1. Identifiers: Orphanet 289539, MedGen C3280492, MONDO:0013692, OMIM 614327.

Submission:

Labcorp Genetics (formerly Invitae), Labcorp
Classification: Pathogenic for BAP1-related tumor predisposition syndrome. Last evaluated: 2018-09-13. Review status: criteria provided, single submitter. Criteria: Invitae Variant Classification Sherloc (09022015). Collection method: clinical testing. Allele origin: germline.
Comment: For these reasons, this variant has been classified as Pathogenic. Loss-of-function variants in BAP1 are known to be pathogenic (PMID: 21874000, 23684012). This variant has not been reported in the literature in individuals with BAP1-related disease. This variant is not present in population databases (ExAC no frequency). This sequence change creates a premature translational stop signal (p.Arg300Glyfs*91) in the BAP1 gene. It is expected to result in an absent or disrupted protein product.

Literature cited by the submitters: PubMed 21874000; PubMed 23684012.